The following is an entry in ClinVar:

NM_022552.5(DNMT3A):c.2695C>T (p.Arg899Cys)

Gene: DNMT3A (DNA methyltransferase 3 alpha; minus strand). Cytogenetic location: 2p23.3.
Variant type: single nucleotide variant.
Coding change: c.2695C>T on transcript NM_022552.5 (MANE Select); coding-DNA position 2695, C replaced by T.
Protein change: p.Arg899Cys; replaces arginine 899 with cysteine.
Molecular consequence: missense variant. On other transcripts: non-coding transcript variant (1).
Genome position (GRCh38, 1-based): chr2:25,234,323, G>A on the plus strand (C>T on the coding strand, the complement: DNMT3A is on the minus strand). VCF-style: chr2-25234323-G-A. GRCh37 (hg19) VCF-style: chr2-25457192-G-A.
Other names: c.2239C>T, p.Arg747Cys (NM_001320893.1); c.2026C>T, p.Arg676Cys (NM_001375819.1); c.2128C>T, p.Arg710Cys (NM_153759.3); c.2695C>T, p.Arg899Cys (NM_175629.2); short protein forms R710C, R747C, R899C, R676C.
Identifiers: ClinVar variation 2970725 (VCV002970725.3), dbSNP rs771922296, ClinGen allele CA1555472.

ClinVar aggregate classification (germline): Uncertain significance (1 of 4 stars; one submission).

Conditions:
Tatton-Brown-Rahman overgrowth syndrome. Also called: Tall stature-intellectual disability-facial dysmorphism syndrome; Tatton-Brown-Rahman syndrome. Identifiers: Orphanet 404443, MedGen C4014545, MONDO:0014382, OMIM 615879.

Allele frequency attached by ClinVar (database versions not stated): gnomAD 0.00001; ExAC 0.00002; 1000 Genomes Project 30x 0.00016.
gnomAD v4.1: 16 of 1,613,938 alleles (0.00099%); highest among the groups gnomAD compares: African/African-American, 0.0013%; no homozygotes.

Submission:

Labcorp Genetics (formerly Invitae), Labcorp
Classification: Uncertain significance for Tatton-Brown-Rahman overgrowth syndrome. Last evaluated: 2022-12-13. Review status: criteria provided, single submitter. Criteria: Invitae Variant Classification Sherloc (09022015). Collection method: clinical testing. Allele origin: germline.
Comment: This variant has not been reported in the literature in individuals affected with DNMT3A-related conditions. In summary, the available evidence is currently insufficient to determine the role of this variant in disease. Therefore, it has been classified as a Variant of Uncertain Significance. Advanced modeling of protein sequence and biophysical properties (such as structural, functional, and spatial information, amino acid conservation, physicochemical variation, residue mobility, and thermodynamic stability) has been performed at Invitae for this missense variant, however the output from this modeling did not meet the statistical confidence thresholds required to predict the impact of this variant on DNMT3A protein function. This variant is present in population databases (rs771922296, gnomAD 0.007%). This sequence change replaces arginine, which is basic and polar, with cysteine, which is neutral and slightly polar, at codon 899 of the DNMT3A protein (p.Arg899Cys).